The following is an entry in ClinVar:

ClinVar aggregate classification (germline): Uncertain significance (1 of 4 stars; one submission).

Conditions:
Hereditary cancer-predisposing syndrome. Also called: Neoplastic Syndromes, Hereditary; Tumor predisposition; Hereditary Cancer Syndrome; Hereditary neoplastic syndrome. Identifiers: Orphanet 140162, MedGen C0027672, MeSH D009386, MONDO:0015356.

Submission:

Ambry Genetics
Classification: Uncertain significance for Hereditary cancer-predisposing syndrome. Last evaluated: 2021-07-16. Review status: criteria provided, single submitter. Criteria: Ambry Variant Classification Scheme 2023. Collection method: clinical testing. Allele origin: germline.
Comment: The c.1261_1263dupAAG variant (also known as p.K421dup), located in coding exon 10 of the TSC1 gene, results from an in-frame duplication of AAG at nucleotide positions 1261 to 1263. This results in the duplication of an extra residue between codons 421 and 422. This amino acid position is well conserved in available vertebrate species. In addition, this alteration is predicted to be neutral by in silico analysis (Choi Y et al. PLoS ONE. 2012; 7(10):e46688). Since supporting evidence is limited at this time, the clinical significance of this alteration remains unclear.

NM_000368.5(TSC1):c.1261_1263dup (p.Lys421_Glu422insLys)

Gene: TSC1 (TSC complex subunit 1; minus strand). Cytogenetic location: 9q34.13.
Variant type: Duplication.
Coding change: c.1261_1263dup on transcript NM_000368.5 (MANE Select); coding-DNA positions 1261 to 1263, 3 bases duplicated (AAG; older notation c.1261_1263dupAAG).
Protein change: p.Lys421_Glu422insLys.
Molecular consequence: inframe insertion. On other transcripts: inframe indel (40).
Genome position (GRCh38, 1-based): chr9:132,910,571-132,910,573, CTT duplicated on the plus strand (AAG on the coding strand, the reverse complement: TSC1 is on the minus strand); duplicating any 3 consecutive bases within chr9:132,910,571-132,910,574 gives the same sequence; the c. name uses the placement nearest the transcript's 3' end. VCF-style (leftmost placement, unchanged base first): chr9-132910570-C-CCTT. GRCh37 (hg19) VCF-style: chr9-135785957-C-CCTT.
Other names: c.1258_1260dup, p.Lys420_Glu421insLys (NM_001162426.2); c.1108_1110dup, p.Lys370_Glu371insLys (NM_001162427.2); c.898_900dup, p.Lys300_Glu301insLys (NM_001362177.2); c.1260_1262dup, p.Lys421_Glu422insLys (NM_001406592.1, NM_001406593.1, NM_001406594.1 and 7 more transcripts); c.1257_1259dup, p.Lys420_Glu421insLys (NM_001406597.1, NM_001406598.1, NM_001406599.1 and 5 more transcripts); c.1107_1109dup, p.Lys370_Glu371insLys (NM_001406610.1); c.1104_1106dup, p.Lys369_Glu370insLys (NM_001406611.1, NM_001406612.1, NM_001406613.1); c.897_899dup, p.Lys300_Glu301insLys (NM_001406614.1, NM_001406615.1, NM_001406616.1 and 4 more transcripts); and 5 more.
Identifiers: ClinVar variation 1763178 (VCV001763178.2), dbSNP rs2538829040, ClinGen allele CA2580079982.